The following is an entry in ClinVar:

NM_017882.3(CLN6):c.923G>C (p.Ser308Thr)

Gene: CLN6 (CLN6 transmembrane ER protein; minus strand). Cytogenetic location: 15q23.
Variant type: single nucleotide variant.
Coding change: c.923G>C on transcript NM_017882.3 (MANE Select); coding-DNA position 923, G replaced by C.
Protein change: p.Ser308Thr; replaces serine 308 with threonine.
Molecular consequence: missense variant.
Genome position (GRCh38, 1-based): chr15:68,208,153, C>G on the plus strand (G>C on the coding strand, the complement: CLN6 is on the minus strand). VCF-style: chr15-68208153-C-G. GRCh37 (hg19) VCF-style: chr15-68500491-C-G.
Other names: p.S308T:AGC>ACC; short protein forms S308T.
Identifiers: ClinVar variation 198573 (VCV000198573.62), dbSNP rs143578698, ClinGen allele CA247303.
Genomic context (GRCh38, chr15:68,208,153, plus strand): 5'-GGCCCACCCTCCCACCCAGCAGAGCGCCAGAGCCTGGTGCCAGGGACTCAGTGCCGACTG[C>G]TGACGTGAAGGGTGTAGAAAGCCCAGGGCTCAGGGACGTAGATGACACCCGGGTACTTCT-3'
Protein context (NP_060352.1, residues 298-311): EPWAFYTLHV[Ser308Thr]SRH

ClinVar aggregate classification (germline): Conflicting classifications of pathogenicity. Review status: criteria provided, conflicting classifications (1 of 4 stars). 14 submissions from 14 submitters: Uncertain significance (6); Benign (1); Likely benign (5). 2 of the submissions do not count toward it. Last evaluated 2026-07-01.

Conditions:
Ceroid lipofuscinosis, neuronal, 6B (Kufs type). Also called: Neuronal ceroid lipofuscinosis 4A. Identifiers: Orphanet 700477, MedGen C5561927, MONDO:0008768, OMIM 204300.
Ceroid lipofuscinosis, neuronal, 6A. Also called: Neuronal ceroid lipofuscinosis, Gypsy/Indian early juvenile variant; Neuronal ceroid lipofuscinosis 6; CLN6-Related Neuronal Ceroid-Lipofuscinosis; Neuronal ceroid lipofuscinosis, late infantile, variant. Identifiers: Orphanet 168491, Orphanet 228363, MedGen C5551375, MONDO:0011144, OMIM 601780.
CLN6-related disorder. Also called: CLN6-related condition.
Inborn genetic diseases. Identifiers: MedGen C0950123, MeSH D030342.
Adult neuronal ceroid lipofuscinosis. Also called: Kufs disease. Identifiers: Orphanet 228340, Orphanet 79262, MedGen C0022797, MONDO:0019260.
Neuronal ceroid lipofuscinosis. Also called: Neuronal Ceroid Lipofuscinoses. Identifiers: Orphanet 216, Orphanet 79263, MedGen C0027877, MONDO:0016295. Disease mechanism: loss of function.

Allele frequency attached by ClinVar (database versions not stated): 1000 Genomes Project 30x 0.00016; 1000 Genomes Project 0.00020; TOPMed 0.00151; gnomAD 0.00159 and 0.00169; ESP Exome Variant Server 0.00162; gnomAD exomes 0.00186; ExAC 0.00239.
gnomAD v4.1: 3,629 of 1,557,662 alleles (0.23%); highest among the groups gnomAD compares: Non-Finnish European, 0.29%; 10 homozygotes.

Submissions (14):

CeGaT Center for Human Genetics Tuebingen
Classification: Likely benign. Last evaluated: 2026-07-01. Review status: criteria provided, single submitter. Criteria: CeGaT Center For Human Genetics Tuebingen Variant Classification Criteria Version 2. Collection method: clinical testing. Allele origin: germline. Affected: yes. Observed: 8 variant alleles.
Comment: CLN6: BS2

Labcorp Genetics (formerly Invitae), Labcorp
Classification: Benign for Neuronal ceroid lipofuscinosis. Last evaluated: 2026-02-04. Review status: criteria provided, single submitter. Criteria: Invitae Variant Classification Sherloc (09022015). Collection method: clinical testing. Allele origin: germline.

PreventionGenetics, part of Exact Sciences
Classification: Likely benign for CLN6-related condition. Last evaluated: 2025-10-14. Review status: criteria provided, single submitter. Criteria: ACMG Guidelines, 2015. Collection method: clinical testing. Allele origin: germline.
Comment: This variant is classified as likely benign based on ACMG/AMP sequence variant interpretation guidelines (Richards et al. 2015 PMID: 25741868, with internal and published modifications).

Mayo Clinic Laboratories, Mayo Clinic
Classification: Likely benign. Last evaluated: 2025-08-13. Review status: criteria provided, single submitter. Criteria: ACMG Guidelines, 2015. Collection method: clinical testing. Allele origin: germline. Observed: 2 variant alleles.
Comment: BS1, BS2

Blueprint Genetics
Classification: Likely benign. Last evaluated: 2024-11-19. Review status: criteria provided, single submitter. Criteria: ACMG Guidelines, 2015. Collection method: clinical testing. Allele origin: germline.

GeneDx
Classification: Likely benign. Last evaluated: 2020-07-21. Review status: criteria provided, single submitter. Criteria: GeneDx Variant Classification Process June 2021. Collection method: clinical testing. Allele origin: germline. Affected: yes.
Comment: This variant is associated with the following publications: (PMID: 25359263, 30548430, 21549341)

Ambry Genetics
Classification: Uncertain significance for Inborn genetic diseases. Last evaluated: 2018-11-11. Review status: criteria provided, single submitter. Criteria: Ambry Variant Classification Scheme 2023. Collection method: clinical testing. Allele origin: germline.
Comment: The p.S308T variant (also known as c.923G>C), located in coding exon 7 of the CLN6 gene, results from a G to C substitution at nucleotide position 923. The serine at codon 308 is replaced by threonine, an amino acid with similar properties. In one study, this alteration was detected in conjunction with two additional CLN6 alterations c.150C>G (p.T50*) and c.231C>G (p.N77K) in an individual with Kufs disease; however, the phase of these three alterations was not confirmed (Arsov T et al. Am. J. Hum. Genet., 2011 May;88:566-73). This amino acid position is well conserved in available vertebrate species. In addition, the in silico prediction for this alteration is inconclusive. Since supporting evidence is limited at this time, the clinical significance of this alteration remains unclear.

Eurofins Ntd Llc (ga)
Classification: Uncertain significance. Last evaluated: 2017-12-14. Review status: criteria provided, single submitter. Criteria: EGL Classification Definitions 2015. Collection method: clinical testing. Allele origin: germline. Observed: 2 variant alleles, 2 heterozygotes.

Fulgent Genetics
Classification: Uncertain significance for Ceroid lipofuscinosis, neuronal, 6B (Kufs type); Ceroid lipofuscinosis, neuronal, 6A. Last evaluated: 2017-05-23. Review status: criteria provided, single submitter. Criteria: ACMG Guidelines, 2015. Collection method: clinical testing. Allele origin: unknown.

Illumina Laboratory Services, Illumina
Classification: Uncertain significance for Neuronal ceroid lipofuscinosis. Last evaluated: 2017-04-27. Review status: criteria provided, single submitter. Criteria: ICSL Variant Classification Criteria 13 December 2019. Collection method: clinical testing. Allele origin: germline.
Comment: This variant was observed as part of a predisposition screen in an ostensibly healthy population. A literature search was performed for the gene, cDNA change, and amino acid change (where applicable). Publications were found based on this search. However, the evidence from the literature, in combination with allele frequency data from public databases where available, was not sufficient to rule this variant in or out of causing disease. Therefore, this variant is classified as a variant of unknown significance.

Genetic Services Laboratory, University of Chicago
Classification: Uncertain significance. Last evaluated: 2016-11-16. Review status: criteria provided, single submitter. Criteria: ACMG Guidelines, 2015. Collection method: clinical testing. Allele origin: germline. Affected: no.

Center for Genomics, Ann and Robert H. Lurie Children's Hospital of Chicago
Classification: Uncertain significance for Ceroid lipofuscinosis, neuronal, 6B (Kufs type); Ceroid lipofuscinosis, neuronal, 6A. Review status: criteria provided, single submitter. Criteria: ACMG Guidelines, 2015. Collection method: clinical testing. Allele origin: germline.
Comment: CLN6 NM_017882.2 exon 7 p.Ser308Thr (c.923G>C): This variant has not been reported in the literature and is present in 0.3% (435/128540) of European alleles in the Genome Aggregation Database. This variant is present in ClinVar (Variation ID:198573). Evolutionary conservation and computational predictive tools suggest that this variant may not impact the protein. In summary, data on this variant is insufficient for disease classification. Therefore, the clinical significance of this variant is uncertain.

Clinical Genetics DNA and cytogenetics Diagnostics Lab, Erasmus MC, Erasmus Medical Center
Classification: Likely benign. Review status: no assertion criteria provided. Collection method: clinical testing. Allele origin: germline. Affected: yes. Study: VKGL Data-share Consensus. Not counted in ClinVar's aggregate classification.

Genome Diagnostics Laboratory, University Medical Center Utrecht
Classification: Likely benign. Review status: no assertion criteria provided. Collection method: clinical testing. Allele origin: germline. Affected: yes. Study: VKGL Data-share Consensus. Not counted in ClinVar's aggregate classification.

Literature cited by the submitters: PubMed 21549341 (cited by 3 submitters); PubMed 25359263 (cited by Mayo Clinic Laboratories, Mayo Clinic and Illumina Laboratory Services, Illumina); PubMed 30548430 (cited by Mayo Clinic Laboratories, Mayo Clinic).